The following is an entry in ClinVar:

NM_012062.5(DNM1L):c.2154+186C>T

Gene: DNM1L (dynamin 1 like; plus strand). Cytogenetic location: 12p11.21.
Variant type: single nucleotide variant.
Coding change: c.2154+186C>T on transcript NM_012062.5 (MANE Select); 186 bases into the intron after coding-DNA position 2154, C replaced by T.
Molecular consequence: intron variant.
Genome position (GRCh38, 1-based): chr12:32,742,934, C>T. VCF-style: chr12-32742934-C-T. GRCh37 (hg19) VCF-style: chr12-32895868-C-T.
Other names: c.2193+186C>T (NM_001278464.2); c.2160+186C>T (NM_001278465.2); c.2082+186C>T (NM_001330380.2); c.1545+186C>T (NM_001278466.2); c.2121+186C>T (NM_001278463.2); c.2076+186C>T (NM_012063.4); c.2043+186C>T (NM_005690.5).
Identifiers: ClinVar variation 680947 (VCV000680947.1), dbSNP rs147965524, ClinGen allele CA235208288.

ClinVar aggregate classification (germline): Likely benign (1 of 4 stars; one submission).

Allele frequency attached by ClinVar (database versions not stated): 1000 Genomes Project 0.00919; 1000 Genomes Project 30x 0.01046; gnomAD 0.01092 and 0.01157.
gnomAD v4.1: 1,309 of 120,356 alleles (1.1%); highest among the groups gnomAD compares: African/African-American, 3.9%; 31 homozygotes.

Submission:

GeneDx
Classification: Likely benign. Last evaluated: 2018-06-14. Review status: criteria provided, single submitter. Criteria: GeneDx Variant Classification (06012015). Collection method: clinical testing. Allele origin: germline. Affected: yes.
Comment: This variant is considered likely benign or benign based on one or more of the following criteria: it is a conservative change, it occurs at a poorly conserved position in the protein, it is predicted to be benign by multiple in silico algorithms, and/or has population frequency not consistent with disease.